The following is an entry in ClinVar:

NM_152515.5(CKAP2L):c.10C>T (p.Pro4Ser)

Gene: CKAP2L (cytoskeleton associated protein 2 like; minus strand). Cytogenetic location: 2q14.1.
Variant type: single nucleotide variant.
Coding change: c.10C>T on transcript NM_152515.5 (MANE Select); coding-DNA position 10, C replaced by T.
Protein change: p.Pro4Ser; replaces proline 4 with serine.
Molecular consequence: missense variant. On other transcripts: 5 prime UTR variant (1), non-coding transcript variant (1).
Genome position (GRCh38, 1-based): chr2:112,764,589, G>A on the plus strand (C>T on the coding strand, the complement: CKAP2L is on the minus strand). VCF-style: chr2-112764589-G-A. GRCh37 (hg19) VCF-style: chr2-113522166-G-A.
Other names: c.-427C>T (NM_001304361.2); short protein forms P4S.
Identifiers: ClinVar variation 2708684 (VCV002708684.1), dbSNP rs143626181, ClinGen allele CA1836977.

ClinVar aggregate classification (germline): Uncertain significance (1 of 4 stars; one submission).

gnomAD v4.1: 165 of 1,614,054 alleles (0.01%); highest among the groups gnomAD compares: Non-Finnish European, 0.013%; 1 homozygote.

Submission:

Labcorp Genetics (formerly Invitae), Labcorp
Classification: Uncertain significance. Last evaluated: 2022-12-27. Review status: criteria provided, single submitter. Criteria: Invitae Variant Classification Sherloc (09022015). Collection method: clinical testing. Allele origin: germline.
Comment: This variant is present in population databases (rs143626181, gnomAD 0.01%). In summary, the available evidence is currently insufficient to determine the role of this variant in disease. Therefore, it has been classified as a Variant of Uncertain Significance. Algorithms developed to predict the effect of missense changes on protein structure and function output the following: SIFT: "Tolerated"; PolyPhen-2: "Possibly Damaging"; Align-GVGD: "Class C0". The serine amino acid residue is found in multiple mammalian species, which suggests that this missense change does not adversely affect protein function. This variant has not been reported in the literature in individuals affected with CKAP2L-related conditions. This sequence change replaces proline, which is neutral and non-polar, with serine, which is neutral and polar, at codon 4 of the CKAP2L protein (p.Pro4Ser).